The following is an entry in ClinVar:

ClinVar aggregate classification (germline): Uncertain significance (1 of 4 stars; one submission).

Conditions:
MKS1-related disorder. Also called: MKS1-related condition; MKS1-related disorders. Identifiers: MedGen CN239382.

Submission:

PreventionGenetics, part of Exact Sciences
Classification: Uncertain significance for MKS1-related condition. Last evaluated: 2026-01-12. Review status: criteria provided, single submitter. Criteria: ACMG Guidelines, 2015. Collection method: clinical testing. Allele origin: germline.
Comment: The MKS1 c.122A>G variant is predicted to result in the amino acid substitution p.Tyr41Cys. To our knowledge, this variant has not been reported in the literature or in a large population database (gnomAD), indicating this variant is rare. At this time, the clinical significance of this variant is uncertain due to the absence of conclusive functional and genetic evidence.

NM_017777.4(MKS1):c.122A>G (p.Tyr41Cys)

Gene: MKS1 (MKS transition zone complex subunit 1; minus strand). Cytogenetic location: 17q22.
Variant type: single nucleotide variant.
Coding change: c.122A>G on transcript NM_017777.4 (MANE Select); coding-DNA position 122, A replaced by G.
Protein change: p.Tyr41Cys; replaces tyrosine 41 with cysteine.
Molecular consequence: missense variant. On other transcripts: 5 prime UTR variant (1).
Genome position (GRCh38, 1-based): chr17:58,218,688, T>C on the plus strand (A>G on the coding strand, the complement: MKS1 is on the minus strand). VCF-style: chr17-58218688-T-C. GRCh37 (hg19) VCF-style: chr17-56296049-T-C.
Other names: c.-390A>G (NM_001321268.2); c.122A>G, p.Tyr41Cys (NM_001321269.2, NM_001330397.2, NM_001411113.1); short protein forms Y41C.
Identifiers: ClinVar variation 4979916 (VCV004979916.1).